The following is an entry in ClinVar:

NM_005488.3(TOM1):c.406G>C (p.Gly136Arg)

Genes: TOM1 (target of myb1 membrane trafficking protein; plus strand), LOC126863133 (CDK7 strongly-dependent group 2 enhancer GRCh37_chr22:35718923-35720122; plus strand). Cytogenetic location: 22q12.3.
Variant type: single nucleotide variant.
Coding change: c.406G>C on transcript NM_005488.3 (MANE Select); coding-DNA position 406, G replaced by C.
Protein change: p.Gly136Arg; replaces glycine 136 with arginine.
Molecular consequence: missense variant. On other transcripts: non-coding transcript variant (3), intron variant (1).
Genome position (GRCh38, 1-based): chr22:35,323,535, G>C. VCF-style: chr22-35323535-G-C. GRCh37 (hg19) VCF-style: chr22-35719528-G-C.
Other names: c.307G>C, p.Gly103Arg (NM_001135729.2); c.406G>C, p.Gly136Arg (NM_001135732.2); c.367-233G>C (NM_001135730.2); c.406G>C (NM_001135732.1); short protein forms G103R, G136R.
Identifiers: ClinVar variation 3339060 (VCV003339060.2).

ClinVar aggregate classification (germline): Uncertain significance. Review status: criteria provided, multiple submitters, no conflicts (2 of 4 stars). 2 submissions from 2 submitters: Uncertain significance (2). Last evaluated 2025-04-20.

gnomAD v4.1: 1 of 1,614,172 alleles (0.000062%); highest among the groups gnomAD compares: Non-Finnish European, 0.000085%; no homozygotes.

Submissions (2):

Ambry Genetics
Classification: Uncertain significance. Last evaluated: 2025-04-20. Review status: criteria provided, single submitter. Criteria: Ambry Variant Classification Scheme 2023. Collection method: clinical testing. Allele origin: germline.

Women's Health and Genetics/Laboratory Corporation of America, LabCorp
Classification: Uncertain significance. Last evaluated: 2024-07-08. Review status: criteria provided, single submitter. Criteria: LabCorp Variant Classification Summary - May 2015. Collection method: clinical testing. Allele origin: germline.
Comment: Variant summary: TOM1 c.406G>C (p.Gly136Arg) results in a non-conservative amino acid change located in the VHS domain (IPR002014) of the encoded protein sequence. Four of five in-silico tools predict a damaging effect of the variant on protein function. The variant was absent in 251446 control chromosomes (gnomAD). The available data on variant occurrences in the general population are insufficient to allow any conclusion about variant significance. To our knowledge, no occurrence of c.406G>C in individuals affected with Immunodeficiency 85 And Autoimmunity and no experimental evidence demonstrating its impact on protein function have been reported. No submitters have cited clinical-significance assessments for this variant to ClinVar. Based on the evidence outlined above, the variant was classified as uncertain significance.